The following is an entry in ClinVar:

NM_002742.3(PRKD1):c.2422A>G (p.Ile808Val)

Gene: PRKD1 (protein kinase D1; minus strand). Cytogenetic location: 14q12.
Variant type: single nucleotide variant.
Coding change: c.2422A>G on transcript NM_002742.3 (MANE Select); coding-DNA position 2422, A replaced by G.
Protein change: p.Ile808Val; replaces isoleucine 808 with valine.
Molecular consequence: missense variant.
Genome position (GRCh38, 1-based): chr14:29,597,503, T>C on the plus strand (A>G on the coding strand, the complement: PRKD1 is on the minus strand). VCF-style: chr14-29597503-T-C. GRCh37 (hg19) VCF-style: chr14-30066709-T-C.
Other names: c.2446A>G, p.Ile816Val (NM_001330069.2); c.2158A>G, p.Ile720Val (NM_001348390.1); c.2446A>G (NM_001330069.1); short protein forms I816V, I720V, I808V.
Identifiers: ClinVar variation 445978 (VCV000445978.12), dbSNP rs139355024, ClinGen allele CA7140913.

ClinVar aggregate classification (germline): Benign/Likely benign. Review status: criteria provided, multiple submitters, no conflicts (2 of 4 stars). 4 submissions from 4 submitters: Benign (1); Likely benign (2). 1 of the submissions does not count toward it. Last evaluated 2025-12-01.

Conditions:
PRKD1-related disorder. Also called: PRKD1-related condition.

Allele frequency attached by ClinVar (database versions not stated): 1000 Genomes Project 30x 0.00172; gnomAD 0.00173 and 0.00188; TOPMed 0.00186; 1000 Genomes Project 0.00200; ESP Exome Variant Server 0.00246.
gnomAD v4.1: 485 of 1,602,962 alleles (0.03%); highest among the groups gnomAD compares: African/African-American, 0.61%; 3 homozygotes.

Submissions (4):

CeGaT Center for Human Genetics Tuebingen
Classification: Likely benign. Last evaluated: 2025-12-01. Review status: criteria provided, single submitter. Criteria: CeGaT Center For Human Genetics Tuebingen Variant Classification Criteria Version 2. Collection method: clinical testing. Allele origin: germline. Affected: yes. Observed: 1 variant allele.
Comment: PRKD1: BS2

Labcorp Genetics (formerly Invitae), Labcorp
Classification: Benign. Last evaluated: 2019-12-31. Review status: criteria provided, single submitter. Criteria: Invitae Variant Classification Sherloc (09022015). Collection method: clinical testing. Allele origin: germline.

Center for Pediatric Genomic Medicine, Children's Mercy Hospital and Clinics
Classification: Likely benign. Last evaluated: 2017-04-28. Review status: criteria provided, single submitter. Criteria: ACMG Guidelines, 2015. Collection method: clinical testing. Allele origin: germline.

PreventionGenetics, part of Exact Sciences
Classification: Benign for PRKD1-related condition. Last evaluated: 2019-03-21. Review status: no assertion criteria provided. Collection method: clinical testing. Allele origin: germline. Not counted in ClinVar's aggregate classification.
Comment: This variant is classified as benign based on ACMG/AMP sequence variant interpretation guidelines (Richards et al. 2015 PMID: 25741868, with internal and published modifications).